The following is an entry in ClinVar:

NM_001367561.1(DOCK7):c.799G>C (p.Val267Leu)

Gene: DOCK7 (dedicator of cytokinesis 7; minus strand). Cytogenetic location: 1p31.3.
Variant type: single nucleotide variant.
Coding change: c.799G>C on transcript NM_001367561.1 (MANE Select); coding-DNA position 799, G replaced by C.
Protein change: p.Val267Leu; replaces valine 267 with leucine.
Molecular consequence: missense variant.
Genome position (GRCh38, 1-based): chr1:62,647,710, C>G on the plus strand (G>C on the coding strand, the complement: DOCK7 is on the minus strand). VCF-style: chr1-62647710-C-G. GRCh37 (hg19) VCF-style: chr1-63113381-C-G.
Other names: c.799G>C, p.Val267Leu (NM_001271999.2, NM_001272000.2, NM_001272001.2 and 3 more transcripts); short protein forms V267L.
Identifiers: ClinVar variation 2151434 (VCV002151434.4), dbSNP rs775662715, ClinGen allele CA340626233.

ClinVar aggregate classification (germline): Uncertain significance (1 of 4 stars; one submission).

Conditions:
Developmental and epileptic encephalopathy, 23 (DEE23). Also called: Epileptic encephalopathy, early infantile, 23. Identifiers: Orphanet 411986, MedGen C4014492, MONDO:0014371, OMIM 615859.

Allele frequency attached by ClinVar (database versions not stated): gnomAD 0.00001.
gnomAD v4.1: 3 of 1,606,238 alleles (0.00019%); highest among the groups gnomAD compares: Admixed American, 0.0034%; no homozygotes.

Submission:

Labcorp Genetics (formerly Invitae), Labcorp
Classification: Uncertain significance for Developmental and epileptic encephalopathy, 23. Last evaluated: 2022-08-16. Review status: criteria provided, single submitter. Criteria: Invitae Variant Classification Sherloc (09022015). Collection method: clinical testing. Allele origin: germline.
Comment: This sequence change replaces valine, which is neutral and non-polar, with leucine, which is neutral and non-polar, at codon 267 of the DOCK7 protein (p.Val267Leu). This variant is not present in population databases (gnomAD no frequency). This variant has not been reported in the literature in individuals affected with DOCK7-related conditions. Algorithms developed to predict the effect of missense changes on protein structure and function are either unavailable or do not agree on the potential impact of this missense change (SIFT: "Deleterious"; PolyPhen-2: "Probably Damaging"; Align-GVGD: "Class C0"). In summary, the available evidence is currently insufficient to determine the role of this variant in disease. Therefore, it has been classified as a Variant of Uncertain Significance.